The following is an entry in ClinVar:

NM_016604.4(KDM3B):c.1225A>C (p.Thr409Pro)

Gene: KDM3B (lysine demethylase 3B; plus strand). Cytogenetic location: 5q31.2.
Variant type: single nucleotide variant.
Coding change: c.1225A>C on transcript NM_016604.4 (MANE Select); coding-DNA position 1225, A replaced by C.
Protein change: p.Thr409Pro; replaces threonine 409 with proline.
Molecular consequence: missense variant.
Genome position (GRCh38, 1-based): chr5:138,386,466, A>C. VCF-style: chr5-138386466-A-C. GRCh37 (hg19) VCF-style: chr5-137722155-A-C.
Other names: short protein forms T409P.
Identifiers: ClinVar variation 3036734 (VCV003036734.2), dbSNP rs374815700, ClinGen allele CA3428868.

ClinVar aggregate classification (germline): Likely benign (0 of 4 stars; one submission).

Conditions:
KDM3B-related disorder. Also called: KDM3B-related condition.

Allele frequency attached by ClinVar (database versions not stated): gnomAD exomes 0.00003; ExAC 0.00006; ESP Exome Variant Server 0.00023; TOPMed 0.00028; gnomAD 0.00030; 1000 Genomes Project 30x 0.00031; 1000 Genomes Project 0.00040.
gnomAD v4.1: 86 of 1,614,116 alleles (0.0053%); highest among the groups gnomAD compares: African/African-American, 0.085%; no homozygotes.

Submission:

PreventionGenetics, part of Exact Sciences
Classification: Likely benign for KDM3B-related condition. Last evaluated: 2024-02-13. Review status: no assertion criteria provided. Collection method: clinical testing. Allele origin: germline.
Comment: This variant is classified as likely benign based on ACMG/AMP sequence variant interpretation guidelines (Richards et al. 2015 PMID: 25741868, with internal and published modifications).